The following is an entry in ClinVar:

NM_004415.4(DSP):c.6676G>T (p.Gly2226Cys)

Gene: DSP (desmoplakin; plus strand). Cytogenetic location: 6p24.3.
Variant type: single nucleotide variant.
Coding change: c.6676G>T on transcript NM_004415.4 (MANE Select); coding-DNA position 6676, G replaced by T.
Protein change: p.Gly2226Cys; replaces glycine 2226 with cysteine.
Molecular consequence: missense variant.
Genome position (GRCh38, 1-based): chr6:7,583,938, G>T. VCF-style: chr6-7583938-G-T. GRCh37 (hg19) VCF-style: chr6-7584171-G-T.
Other names: c.4879G>T, p.Gly1627Cys (NM_001008844.3); c.5347G>T, p.Gly1783Cys (NM_001319034.2); short protein forms G1627C, G2226C, G1783C.
Identifiers: ClinVar variation 4015099 (VCV004015099.1).

ClinVar aggregate classification (germline): Uncertain significance (1 of 4 stars; one submission).

Conditions:
Cardiovascular phenotype. Identifiers: MedGen CN230736.

Submission:

Ambry Genetics
Classification: Uncertain significance for Cardiovascular phenotype. Last evaluated: 2025-05-02. Review status: criteria provided, single submitter. Criteria: Ambry Variant Classification Scheme 2023. Collection method: clinical testing. Allele origin: germline.
Comment: The p.G2226C variant (also known as c.6676G>T), located in coding exon 24 of the DSP gene, results from a G to T substitution at nucleotide position 6676. The glycine at codon 2226 is replaced by cysteine, an amino acid with highly dissimilar properties. This amino acid position is conserved. In addition, the in silico prediction for this alteration is inconclusive. Based on the available evidence, the clinical significance of this variant remains unclear.